The following is an entry in ClinVar:

NM_201384.3(PLEC):c.6389A>G (p.Gln2130Arg)

Gene: PLEC (plectin; minus strand). Cytogenetic location: 8q24.3.
Variant type: single nucleotide variant.
Coding change: c.6389A>G on transcript NM_201384.3 (MANE Select); coding-DNA position 6389, A replaced by G.
Protein change: p.Gln2130Arg; replaces glutamine 2130 with arginine.
Molecular consequence: missense variant.
Genome position (GRCh38, 1-based): chr8:143,923,540, T>C on the plus strand (A>G on the coding strand, the complement: PLEC is on the minus strand). VCF-style: chr8-143923540-T-C. GRCh37 (hg19) VCF-style: chr8-144997708-T-C.
Other names: c.6470A>G, p.Gln2157Arg (NM_000445.5); c.6347A>G, p.Gln2116Arg (NM_201378.4); c.6323A>G, p.Gln2108Arg (NM_201379.3); c.6800A>G, p.Gln2267Arg (NM_201380.4); c.6293A>G, p.Gln2098Arg (NM_201381.3); c.6389A>G, p.Gln2130Arg (NM_201382.4); c.6401A>G, p.Gln2134Arg (NM_201383.3); short protein forms Q2130R, Q2134R, Q2108R, Q2267R, Q2098R, Q2116R, Q2157R.
Identifiers: ClinVar variation 2157920 (VCV002157920.4), dbSNP rs1823698106, ClinGen allele CA372534881.

ClinVar aggregate classification (germline): Uncertain significance (1 of 4 stars; one submission).

Conditions:
Epidermolysis bullosa simplex with nail dystrophy (EBS5D). Identifiers: MedGen C4225309, MONDO:0014661, OMIM 616487.
Epidermolysis bullosa simplex 5B, with muscular dystrophy (EBS5B). Also called: EPIDERMOLYSIS BULLOSA SIMPLEX AND LIMB-GIRDLE MUSCULAR DYSTROPHY; Epidermolysis bullosa simplex with muscular dystrophy. Identifiers: Orphanet 257, MedGen C2931072, MONDO:0009181, OMIM 226670.
Epidermolysis bullosa simplex, Ogna type (EBS5A). Also called: Pidermolysis bullosa simplex 5A, Ogna type; EPIDERMOLYSIS BULLOSA SIMPLEX 5A, OGNA TYPE. Identifiers: Orphanet 79401, MedGen C0432317, MONDO:0007555, OMIM 131950.
Autosomal recessive limb-girdle muscular dystrophy type 2Q (LGMDR17). Also called: MUSCULAR DYSTROPHY, LIMB-GIRDLE, AUTOSOMAL RECESSIVE 17. Identifiers: Orphanet 254361, MedGen C3150989, MONDO:0013390, OMIM 613723.
Epidermolysis bullosa simplex 5C, with pyloric atresia (EBS5C). Also called: Epidermolysis bullosa simplex with pyloric atresia; PLEC-Related Epidermolysis Bullosa with Pyloric Atresia; PLEC1-Related Epidermolysis Bullosa with Pyloric Atresia. Identifiers: Orphanet 158684, MedGen C2677349, MONDO:0012807, OMIM 612138.

gnomAD v4.1: 3 of 1,598,496 alleles (0.00019%); highest among the groups gnomAD compares: Non-Finnish European, 0.00025%; no homozygotes.

Submission:

Labcorp Genetics (formerly Invitae), Labcorp
Classification: Uncertain significance for Autosomal recessive limb-girdle muscular dystrophy type 2Q; Epidermolysis bullosa simplex, Ogna type; Epidermolysis bullosa simplex with nail dystrophy; Epidermolysis bullosa simplex 5C, with pyloric atresia; Epidermolysis bullosa simplex 5B, with muscular dystrophy. Last evaluated: 2022-03-19. Review status: criteria provided, single submitter. Criteria: Invitae Variant Classification Sherloc (09022015). Collection method: clinical testing. Allele origin: germline.
Comment: This sequence change replaces glutamine, which is neutral and polar, with arginine, which is basic and polar, at codon 2157 of the PLEC protein (p.Gln2157Arg). This variant is not present in population databases (gnomAD no frequency). This variant has not been reported in the literature in individuals affected with PLEC-related conditions. Algorithms developed to predict the effect of missense changes on protein structure and function (SIFT, PolyPhen-2, Align-GVGD) all suggest that this variant is likely to be tolerated. In summary, the available evidence is currently insufficient to determine the role of this variant in disease. Therefore, it has been classified as a Variant of Uncertain Significance.